The following is an entry in ClinVar:

ClinVar aggregate classification (germline): Uncertain significance (1 of 4 stars; one submission).

Conditions:
Combined oxidative phosphorylation defect type 17. Also called: Combined oxidative phosphorylation deficiency 17. Identifiers: Orphanet 369913, MedGen C3809526, MONDO:0014190, OMIM 615440.

Submission:

Labcorp Genetics (formerly Invitae), Labcorp
Classification: Uncertain significance for Combined oxidative phosphorylation defect type 17. Last evaluated: 2025-09-22. Review status: criteria provided, single submitter. Criteria: Invitae Variant Classification Sherloc (09022015). Collection method: clinical testing. Allele origin: germline.
Comment: This sequence change replaces leucine, which is neutral and non-polar, with proline, which is neutral and non-polar, at codon 763 of the ELAC2 protein (p.Leu763Pro). This variant is not present in population databases (gnomAD no frequency). This missense change has been observed in individual(s) with hypercardiomyopathy (internal data). In at least one individual the data is consistent with being in trans (on the opposite chromosome) from a pathogenic variant. Invitae Evidence Modeling of protein sequence and biophysical properties (such as structural, functional, and spatial information, amino acid conservation, physicochemical variation, residue mobility, and thermodynamic stability) indicates that this missense variant is expected to disrupt ELAC2 protein function with a positive predictive value of 80%. In summary, the available evidence is currently insufficient to determine the role of this variant in disease. Therefore, it has been classified as a Variant of Uncertain Significance.

NM_018127.7(ELAC2):c.2288T>C (p.Leu763Pro)

Gene: ELAC2 (elaC ribonuclease Z 2; minus strand). Cytogenetic location: 17p12.
Variant type: single nucleotide variant.
Coding change: c.2288T>C on transcript NM_018127.7 (MANE Select); coding-DNA position 2288, T replaced by C.
Protein change: p.Leu763Pro; replaces leucine 763 with proline.
Molecular consequence: missense variant.
Genome position (GRCh38, 1-based): chr17:12,993,011, A>G on the plus strand (T>C on the coding strand, the complement: ELAC2 is on the minus strand). VCF-style: chr17-12993011-A-G. GRCh37 (hg19) VCF-style: chr17-12896328-A-G.
Other names: c.2168T>C, p.Leu723Pro (NM_001165962.2); c.2285T>C, p.Leu762Pro (NM_173717.2); short protein forms L762P, L763P, L723P.
Identifiers: ClinVar variation 4706398 (VCV004706398.1).